The following is an entry in ClinVar:

ClinVar aggregate classification (germline): Pathogenic (1 of 4 stars; one submission).

Submission:

Labcorp Genetics (formerly Invitae), Labcorp
Classification: Pathogenic. Last evaluated: 2023-04-11. Review status: criteria provided, single submitter. Criteria: Invitae Variant Classification Sherloc (09022015). Collection method: clinical testing. Allele origin: unknown.
Comment: For these reasons, this variant has been classified as Pathogenic. This variant has not been reported in the literature in individuals affected with COL4A5-related conditions. This variant is a gross deletion of the genomic region encompassing exon(s) 20-24 of the COL4A5 gene. This deletion is out-of-frame, and is expected to create a premature termination codon and result in an absent or disrupted protein product. Loss-of-function variants in COL4A5 are known to be pathogenic (PMID: 9195222, 10752524, 14514738, 24854265, 26809805).

Literature cited by the submitters: PubMed 9195222; PubMed 10752524; PubMed 14514738; PubMed 24854265; PubMed 26809805.

NC_000023.10:g.(?_107834268)_(107840818_?)del

Gene: COL4A5 (collagen type IV alpha 5 chain; plus strand). Cytogenetic location: Xq22.3.
Variant type: Deletion.
Identifiers: ClinVar variation 3246277 (VCV003246277.1).